The following is an entry in ClinVar:

NM_004370.6(COL12A1):c.7360A>C (p.Ser2454Arg)

Gene: COL12A1 (collagen type XII alpha 1 chain; minus strand). Cytogenetic location: 6q13.
Variant type: single nucleotide variant.
Coding change: c.7360A>C on transcript NM_004370.6 (MANE Select); coding-DNA position 7360, A replaced by C.
Protein change: p.Ser2454Arg; replaces serine 2454 with arginine.
Molecular consequence: missense variant.
Genome position (GRCh38, 1-based): chr6:75,117,541, T>G on the plus strand (A>C on the coding strand, the complement: COL12A1 is on the minus strand). VCF-style: chr6-75117541-T-G. GRCh37 (hg19) VCF-style: chr6-75827257-T-G.
Other names: c.3868A>C, p.Ser1290Arg (NM_080645.3); short protein forms S1290R, S2454R.
Identifiers: ClinVar variation 1721123 (VCV001721123.6), dbSNP rs1249732413, ClinGen allele CA364746714.

ClinVar aggregate classification (germline): Uncertain significance (1 of 4 stars; one submission).

Conditions:
Ullrich congenital muscular dystrophy 2 (UCMD2). Identifiers: Orphanet 75840, MedGen C4225314, MONDO:0014654, OMIM 616470.
Bethlem myopathy 2 (BTHLM2). Identifiers: Orphanet 536516, Orphanet 610, MedGen C4225313, MONDO:0034022, OMIM 616471.

Submission:

Labcorp Genetics (formerly Invitae), Labcorp
Classification: Uncertain significance for Bethlem myopathy 2; Ullrich congenital muscular dystrophy 2. Last evaluated: 2022-10-07. Review status: criteria provided, single submitter. Criteria: Invitae Variant Classification Sherloc (09022015). Collection method: clinical testing. Allele origin: germline.
Comment: This variant is not present in population databases (gnomAD no frequency). Algorithms developed to predict the effect of sequence changes on RNA splicing suggest that this variant may create or strengthen a splice site. Algorithms developed to predict the effect of missense changes on protein structure and function (SIFT, PolyPhen-2, Align-GVGD) all suggest that this variant is likely to be disruptive. This variant has not been reported in the literature in individuals affected with COL12A1-related conditions. In summary, the available evidence is currently insufficient to determine the role of this variant in disease. Therefore, it has been classified as a Variant of Uncertain Significance. This sequence change replaces serine, which is neutral and polar, with arginine, which is basic and polar, at codon 2454 of the COL12A1 protein (p.Ser2454Arg).